The following is an entry in ClinVar:

NM_000535.7(PMS2):c.1882C>G (p.Arg628Gly)

Gene: PMS2 (PMS1 homolog 2, mismatch repair system component; minus strand). Cytogenetic location: 7p22.1.
Variant type: single nucleotide variant.
Coding change: c.1882C>G on transcript NM_000535.7 (MANE Select); coding-DNA position 1882, C replaced by G.
Protein change: p.Arg628Gly; replaces arginine 628 with glycine.
Molecular consequence: missense variant. On other transcripts: non-coding transcript variant (1).
Genome position (GRCh38, 1-based): chr7:5,986,883, G>C on the plus strand (C>G on the coding strand, the complement: PMS2 is on the minus strand). VCF-style: chr7-5986883-G-C. GRCh37 (hg19) VCF-style: chr7-6026514-G-C.
Other names: c.1477C>G, p.Arg493Gly (NM_001322003.2, NM_001322004.2, NM_001322005.2 and 1 more transcripts); c.1726C>G, p.Arg576Gly (NM_001322006.2); c.1564C>G, p.Arg522Gly (NM_001322007.2, NM_001322008.2); c.1321C>G, p.Arg441Gly (NM_001322010.2); c.949C>G, p.Arg317Gly (NM_001322011.2, NM_001322012.2); c.1309C>G, p.Arg437Gly (NM_001322013.2); c.1882C>G, p.Arg628Gly (NM_001322014.2); c.1573C>G, p.Arg525Gly (NM_001322015.2); short protein forms R628G, R317G, R493G, R522G, R576G, R437G, R441G, R525G.
Identifiers: ClinVar variation 490098 (VCV000490098.6), dbSNP rs63750451, ClinGen allele CA366739441.

ClinVar aggregate classification (germline): Conflicting classifications of pathogenicity. Review status: criteria provided, conflicting classifications (1 of 4 stars). 3 submissions from 3 submitters: Uncertain significance (2); Likely benign (1). Last evaluated 2024-03-06.

Conditions:
Hereditary cancer-predisposing syndrome. Also called: Hereditary Cancer Syndrome; Neoplastic Syndromes, Hereditary; Tumor predisposition; Hereditary neoplastic syndrome. Identifiers: Orphanet 140162, MedGen C0027672, MeSH D009386, MONDO:0015356.

Submissions (3):

Ambry Genetics
Classification: Likely benign for Hereditary cancer-predisposing syndrome. Last evaluated: 2024-03-06. Review status: criteria provided, single submitter. Criteria: Ambry Variant Classification Scheme 2023. Collection method: clinical testing. Allele origin: germline.

Sema4
Classification: Uncertain significance for Hereditary cancer-predisposing syndrome. Last evaluated: 2021-11-12. Review status: criteria provided, single submitter. Criteria: Sema4 Curation Guidelines. Collection method: curation. Allele origin: germline.
Comment: The PMS2 c.1882C>G (p.R628G) variant has not been reported in the literature to our knowledge. It was not observed in the large and broad cohorts of the Genome Aggregation Database. The variant has been reported in ClinVar (Variation ID 490098). Functional studies have not been performed, and in silico predictions of the variant's effect on protein function are inconclusive. The evidence is insufficient to meet ACMG/AMP criteria for classifying the variant as benign or pathogenic. Thus, the clinical significance of this variant is currently uncertain.

Color Diagnostics, LLC DBA Color Health
Classification: Uncertain significance for Hereditary cancer-predisposing syndrome. Last evaluated: 2018-12-26. Review status: criteria provided, single submitter. Criteria: ACMG Guidelines, 2015. Collection method: clinical testing. Allele origin: germline.